The following is an entry in ClinVar:

ClinVar aggregate classification (germline): Likely benign (1 of 4 stars; one submission).

Allele frequency attached by ClinVar (database versions not stated): gnomAD exomes 0.00001; ExAC 0.00002; gnomAD 0.00003; TOPMed 0.00004; 1000 Genomes Project 30x 0.00031; 1000 Genomes Project 0.00040.
gnomAD v4.1: 16 of 1,613,842 alleles (0.00099%); highest among the groups gnomAD compares: Middle Eastern, 0.017%; no homozygotes.

Submission:

CeGaT Center for Human Genetics Tuebingen
Classification: Likely benign. Last evaluated: 2024-01-01. Review status: criteria provided, single submitter. Criteria: CeGaT Center For Human Genetics Tuebingen Variant Classification Criteria Version 2. Collection method: clinical testing. Allele origin: germline. Affected: yes. Observed: 1 variant allele.
Comment: RUBCN: BP4

NM_014687.4(RUBCN):c.312C>T (p.Ser104=)

Gene: RUBCN (rubicon autophagy regulator; minus strand). Cytogenetic location: 3q29.
Variant type: single nucleotide variant.
Coding change: c.312C>T on transcript NM_014687.4 (MANE Select); coding-DNA position 312, C replaced by T.
Protein change: p.Ser104=; no amino-acid change (serine 104 retained).
Molecular consequence: synonymous variant.
Genome position (GRCh38, 1-based): chr3:197,704,693, G>A on the plus strand (C>T on the coding strand, the complement: RUBCN is on the minus strand). VCF-style: chr3-197704693-G-A. GRCh37 (hg19) VCF-style: chr3-197431564-G-A.
Other names: c.132C>T, p.Ser44= (NM_001145642.5); c.312C>T, p.Ser104= (NM_001346873.2).
Identifiers: ClinVar variation 3025657 (VCV003025657.22), dbSNP rs557932058, ClinGen allele CA2787252.